The following is an entry in ClinVar:

NM_001363711.2(DUOX2):c.3391G>T (p.Ala1131Ser)

Gene: DUOX2 (dual oxidase 2; minus strand). Cytogenetic location: 15q21.1.
Variant type: single nucleotide variant.
Coding change: c.3391G>T on transcript NM_001363711.2 (MANE Select); coding-DNA position 3391, G replaced by T.
Protein change: p.Ala1131Ser; replaces alanine 1131 with serine.
Molecular consequence: missense variant.
Genome position (GRCh38, 1-based): chr15:45,099,686, C>A on the plus strand (G>T on the coding strand, the complement: DUOX2 is on the minus strand). VCF-style: chr15-45099686-C-A. GRCh37 (hg19) VCF-style: chr15-45391884-C-A.
Other names: c.3391G>T, p.Ala1131Ser (NM_014080.5); c.3391G>T (NM_014080.4); short protein forms A1131S.
Identifiers: ClinVar variation 3577185 (VCV003577185.3).

ClinVar aggregate classification (germline): Likely pathogenic. Review status: criteria provided, multiple submitters, no conflicts (2 of 4 stars). 2 submissions from 2 submitters: Likely pathogenic (2). Last evaluated 2024-04-17.

Conditions:
Thyroid dyshormonogenesis 6 (TDH6). Also called: HYPOTHYROIDISM, CONGENITAL, DUE TO DYSHORMONOGENESIS, 6; THYROID HORMONOGENESIS, GENETIC DEFECT IN, 6; Genetic transient congenital hypothyroidism. Identifiers: Orphanet 226316, Orphanet 95716, MedGen C1846632, MONDO:0011792, OMIM 607200.

Submissions (2):

Fulgent Genetics
Classification: Likely pathogenic for Thyroid dyshormonogenesis 6. Last evaluated: 2024-04-17. Review status: criteria provided, single submitter. Criteria: ACMG Guidelines, 2015. Collection method: clinical testing. Allele origin: germline.

Juno Genomics, Hangzhou Juno Genomics, Inc
Classification: Likely pathogenic for Thyroid dyshormonogenesis 6. Review status: criteria provided, single submitter. Criteria: ACMG Guidelines, 2015. Collection method: clinical testing. Allele origin: germline.
Comment: Absent from controls (or at extremely low frequency if recessive) in Genome Aggregation Database.;Multiple lines of computational evidence support a deleterious effect on the gene or gene product.;For recessive disorders, detected in trans with a pathogenic variant.;Patient's phenotype or family history is highly specific for a disease with a single genetic etiology.